The following is an entry in ClinVar:

ClinVar aggregate classification (germline): Pathogenic. Review status: criteria provided, multiple submitters, no conflicts (2 of 4 stars). 2 submissions from 2 submitters: Pathogenic (2). Last evaluated 2022-05-11.

Conditions:
Hereditary cancer-predisposing syndrome. Also called: Tumor predisposition; Neoplastic Syndromes, Hereditary; Hereditary Cancer Syndrome; Hereditary neoplastic syndrome. Identifiers: Orphanet 140162, MedGen C0027672, MeSH D009386, MONDO:0015356.
Ataxia-telangiectasia syndrome (AT). Also called: LOUIS-BAR SYNDROME; Cerebello-oculocutaneous telangiectasia; Immunodeficiency with ataxia telangiectasia; Ataxia-telangiectasia, complementation group D; AT, COMPLEMENTATION GROUP C; ATAXIA-TELANGIECTASIA, COMPLEMENTATION GROUP A. Identifiers: Orphanet 100, MedGen C0004135, MONDO:0008840, OMIM 208900.

Submissions (2):

Labcorp Genetics (formerly Invitae), Labcorp
Classification: Pathogenic for Ataxia-telangiectasia syndrome. Last evaluated: 2022-05-11. Review status: criteria provided, single submitter. Criteria: Invitae Variant Classification Sherloc (09022015). Collection method: clinical testing. Allele origin: germline.
Comment: For these reasons, this variant has been classified as Pathogenic. This variant has not been reported in the literature in individuals affected with ATM-related conditions. This variant is not present in population databases (gnomAD no frequency). This sequence change creates a premature translational stop signal (p.Gln754*) in the ATM gene. It is expected to result in an absent or disrupted protein product. Loss-of-function variants in ATM are known to be pathogenic (PMID: 23807571, 25614872).

Ambry Genetics
Classification: Pathogenic for Hereditary cancer-predisposing syndrome. Last evaluated: 2015-11-11. Review status: criteria provided, single submitter. Criteria: Ambry Variant Classification Scheme 2023. Collection method: clinical testing. Allele origin: germline.
Comment: The p.Q754* pathogenic mutation (also known as c.2260C>T), located in coding exon 14 of the ATM gene, results from a C to T substitution at nucleotide position 2260. This changes the amino acid from a glutamine to a stop codon within coding exon 14. Since premature stop codons are typically deleterious in nature, this alteration is interpreted as a disease-causing mutation (ACMG Recommendations for Standards for Interpretation and Reporting of Sequence Variations. Revision 2007. Genet Med. 2008;10:294).

Literature cited by the submitters: PubMed 23807571 (cited by Labcorp Genetics (formerly Invitae), Labcorp); PubMed 25614872 (cited by Labcorp Genetics (formerly Invitae), Labcorp).

NM_000051.4(ATM):c.2260C>T (p.Gln754Ter)

Gene: ATM (ATM serine/threonine kinase; plus strand). Cytogenetic location: 11q22.3.
Variant type: single nucleotide variant.
Coding change: c.2260C>T on transcript NM_000051.4 (MANE Select); coding-DNA position 2260, C replaced by T.
Protein change: p.Gln754Ter; replaces glutamine 754 with a stop codon.
Molecular consequence: nonsense.
Genome position (GRCh38, 1-based): chr11:108,257,490, C>T. VCF-style: chr11-108257490-C-T. GRCh37 (hg19) VCF-style: chr11-108128217-C-T.
Other names: c.2260C>T, p.Gln754Ter (NM_001351834.2); short protein forms Q754*.
Identifiers: ClinVar variation 1788627 (VCV001788627.7), dbSNP rs3205809, ClinGen allele CA382539559.